The following is an entry in ClinVar:

NM_005148.4(UNC119):c.325C>T (p.Pro109Ser)

Gene: UNC119 (unc-119 lipid binding chaperone; minus strand). Cytogenetic location: 17q11.2.
Variant type: single nucleotide variant.
Coding change: c.325C>T on transcript NM_005148.4 (MANE Select); coding-DNA position 325, C replaced by T.
Protein change: p.Pro109Ser; replaces proline 109 with serine.
Molecular consequence: missense variant.
Genome position (GRCh38, 1-based): chr17:28,548,601, G>A on the plus strand (C>T on the coding strand, the complement: UNC119 is on the minus strand). VCF-style: chr17-28548601-G-A. GRCh37 (hg19) VCF-style: chr17-26875619-G-A.
Other names: c.40C>T, p.Pro14Ser (NM_001330166.2); c.325C>T, p.Pro109Ser (NM_054035.2); short protein forms P109S, P14S.
Identifiers: ClinVar variation 2001405 (VCV002001405.4), dbSNP rs576152675, ClinGen allele CA398332101.
Genomic context (GRCh38, chr17:28,548,601, plus strand): 5'-CTCCGCAGCTCCTATCTGCCTCCCCATCAATGGCCCACCCAGCCCACTCACCTGAGACTG[G>A]GGGCTTCTTGATTTCAAAGAGGACAGTGCCTGAGTCCATGTCCCGAATCTTAAACCTGAC-3'
Protein context (NP_005139.1, residues 99-119): GTVLFEIKKP[Pro109Ser]VSERLPINRR

ClinVar aggregate classification (germline): Uncertain significance (1 of 4 stars; one submission).

Allele frequency attached by ClinVar (database versions not stated): gnomAD exomes below 0.00001.

Submission:

Labcorp Genetics (formerly Invitae), Labcorp
Classification: Uncertain significance. Last evaluated: 2022-05-31. Review status: criteria provided, single submitter. Criteria: Invitae Variant Classification Sherloc (09022015). Collection method: clinical testing. Allele origin: germline.
Comment: In summary, the available evidence is currently insufficient to determine the role of this variant in disease. Therefore, it has been classified as a Variant of Uncertain Significance. Algorithms developed to predict the effect of missense changes on protein structure and function are either unavailable or do not agree on the potential impact of this missense change (SIFT: "Not Available"; PolyPhen-2: "Benign"; Align-GVGD: "Not Available"). This variant has not been reported in the literature in individuals affected with UNC119-related conditions. This variant is not present in population databases (gnomAD no frequency). This sequence change replaces proline, which is neutral and non-polar, with serine, which is neutral and polar, at codon 109 of the UNC119 protein (p.Pro109Ser).